The following is an entry in ClinVar:

ClinVar aggregate classification (germline): Benign/Likely benign. Review status: criteria provided, multiple submitters, no conflicts (2 of 4 stars). 4 submissions from 4 submitters: Benign (2); Likely benign (2). Last evaluated 2026-02-01.

Allele frequency attached by ClinVar (database versions not stated): 1000 Genomes Project 0.00319; 1000 Genomes Project 30x 0.00406; TOPMed 0.00578; gnomAD 0.00592 and 0.00600; gnomAD exomes 0.00642 and 0.00874; ExAC 0.00664; ESP Exome Variant Server 0.00669.
gnomAD v4.1: 13,596 of 1,614,208 alleles (0.84%); highest among the groups gnomAD compares: Non-Finnish European, 1%; 66 homozygotes.

Submissions (4):

Labcorp Genetics (formerly Invitae), Labcorp
Classification: Benign. Last evaluated: 2026-02-01. Review status: criteria provided, single submitter. Criteria: Invitae Variant Classification Sherloc (09022015). Collection method: clinical testing. Allele origin: germline.

Genomic Medicine Center of Excellence, King Faisal Specialist Hospital and Research Centre
Classification: Likely benign. Last evaluated: 2025-08-18. Review status: criteria provided, single submitter. Criteria: ACMG Guidelines, 2015. Collection method: clinical testing. Allele origin: germline.

CeGaT Center for Human Genetics Tuebingen
Classification: Likely benign. Last evaluated: 2023-01-01. Review status: criteria provided, single submitter. Criteria: CeGaT Center For Human Genetics Tuebingen Variant Classification Criteria Version 2. Collection method: clinical testing. Allele origin: germline. Affected: yes. Observed: 2 variant alleles.
Comment: ADAMTS18: BP4, BS2

Breakthrough Genomics
Classification: Benign. Review status: criteria provided, single submitter. Criteria: ACMG Guidelines, 2015. Collection method: not provided. Allele origin: germline. Inheritance: Autosomal recessive inheritance. Affected: yes.

NM_199355.4(ADAMTS18):c.637C>T (p.Arg213Trp)

Gene: ADAMTS18 (ADAM metallopeptidase with thrombospondin type 1 motif 18; minus strand). Cytogenetic location: 16q23.1.
Variant type: single nucleotide variant.
Coding change: c.637C>T on transcript NM_199355.4 (MANE Select); coding-DNA position 637, C replaced by T.
Protein change: p.Arg213Trp; replaces arginine 213 with tryptophan.
Molecular consequence: missense variant. On other transcripts: synonymous variant (1).
Genome position (GRCh38, 1-based): chr16:77,367,582, G>A on the plus strand (C>T on the coding strand, the complement: ADAMTS18 is on the minus strand). VCF-style: chr16-77367582-G-A. GRCh37 (hg19) VCF-style: chr16-77401479-G-A.
Other names: c.117C>T, p.Ser39= (NM_001326358.2); short protein forms R213W.
Identifiers: ClinVar variation 713640 (VCV000713640.36), dbSNP rs35701343, ClinGen allele CA8181615.